The following is an entry in ClinVar:

ClinVar aggregate classification (germline): Uncertain significance (1 of 4 stars; one submission).

Conditions:
MHC class II deficiency. Also called: Bare lymphocyte syndrome 2; BLS, TYPE II. Identifiers: Orphanet 572, MedGen C5447452, MONDO:0008855.

gnomAD v4.1: 17 of 1,614,156 alleles (0.0011%); highest among the groups gnomAD compares: Non-Finnish European, 0.0012%; no homozygotes.

Submission:

Labcorp Genetics (formerly Invitae), Labcorp
Classification: Uncertain significance for MHC class II deficiency. Last evaluated: 2024-12-30. Review status: criteria provided, single submitter. Criteria: Invitae Variant Classification Sherloc (09022015). Collection method: clinical testing. Allele origin: germline.
Comment: This sequence change replaces alanine, which is neutral and non-polar, with threonine, which is neutral and polar, at codon 554 of the RFX5 protein (p.Ala554Thr). This variant is present in population databases (rs745894451, gnomAD 0.004%). This variant has not been reported in the literature in individuals affected with RFX5-related conditions. An algorithm developed to predict the effect of missense changes on protein structure and function outputs the following: PolyPhen-2: "Benign". The threonine amino acid residue is found in multiple mammalian species, which suggests that this missense change does not adversely affect protein function. In summary, the available evidence is currently insufficient to determine the role of this variant in disease. Therefore, it has been classified as a Variant of Uncertain Significance.

NM_001025603.2(RFX5):c.1660G>A (p.Ala554Thr)

Gene: RFX5 (regulatory factor X5; minus strand). Cytogenetic location: 1q21.3.
Variant type: single nucleotide variant.
Coding change: c.1660G>A on transcript NM_001025603.2 (MANE Select); coding-DNA position 1660, G replaced by A.
Protein change: p.Ala554Thr; replaces alanine 554 with threonine.
Molecular consequence: missense variant.
Genome position (GRCh38, 1-based): chr1:151,342,377, C>T on the plus strand (G>A on the coding strand, the complement: RFX5 is on the minus strand). VCF-style: chr1-151342377-C-T. GRCh37 (hg19) VCF-style: chr1-151314853-C-T.
Other names: c.1660G>A, p.Ala554Thr (NM_000449.4, NM_001379412.1, NM_001379413.1 and 5 more transcripts); c.1540G>A, p.Ala514Thr (NM_001379419.1, NM_001379420.1); short protein forms A514T, A554T.
Identifiers: ClinVar variation 3676888 (VCV003676888.2).
Genomic context (GRCh38, chr1:151,342,377, plus strand): 5'-GGCTTCTGCTGCCCTTGATGACACTCACTTTTGAGGGGACCAAGGGAATTTTATCTTCTG[C>T]TTCTTTGGTATGCTGGGAACCGGGGCCCCTTCCTCCTTTGGAAACAGTACCATCTCCCTG-3'
Protein context (NP_001020774.1, residues 544-564): RGPGSQHTKE[Ala554Thr]EDKIPLVPSK